The following is an entry in ClinVar:

NM_015311.3(OBSL1):c.1954del (p.Glu652fs)

Gene: OBSL1 (obscurin like cytoskeletal adaptor 1; minus strand). Cytogenetic location: 2q35.
Variant type: Deletion.
Coding change: c.1954del on transcript NM_015311.3 (MANE Select); coding-DNA position 1954, one base deleted (G; older notation c.1954delG).
Protein change: p.Glu652fs; shifts the reading frame from glutamic acid 652.
Molecular consequence: frameshift variant.
Genome position (GRCh38, 1-based): chr2:219,567,010, C deleted on the plus strand (G on the coding strand, the reverse complement: OBSL1 is on the minus strand); the first of 4 consecutive C bases (chr2:219,567,010-219,567,013); deleting any one gives the same sequence. VCF-style (leftmost placement, unchanged base first): chr2-219567009-TC-T. GRCh37 (hg19) VCF-style: chr2-220431731-TC-T.
Other names: c.1954del, p.Glu652fs (NM_001173408.2, NM_001173431.2); short protein forms E652fs.
Identifiers: ClinVar variation 280285 (VCV000280285.2), dbSNP rs886041519, ClinGen allele CA10602849.
Genomic context (GRCh38, chr2:219,567,009, plus strand): 5'-ATACGGTACCGCAGGGCCCCAGGTTCCACCTGGCCCTCCGGCTCGTTACTCTTGAGCTCT[TC>T]CCCATTAAGGAACCAGGTACCCTGGATGATGGTGGAGAGATCGAGGGAGAAGACGGCATC-3'

ClinVar aggregate classification (germline): Pathogenic (1 of 4 stars; one submission).

Submission:

GeneDx
Classification: Pathogenic. Last evaluated: 2016-02-15. Review status: criteria provided, single submitter. Criteria: GeneDx Variant Classification (06012015). Collection method: clinical testing. Allele origin: germline. Affected: yes.
Comment: The c.1954delG pathogenic variant in the OBSL1 gene has not been reported previously as a pathogenic variant nor as a benign variant, to our knowledge. The c.1954delG variant causes a frameshift starting with codon Glutamic acid 652 changes this amino acid to a Lysine residue, and creates a premature Stop codon at position 21 of the new reading frame, denoted p.Glu652LysfsX21. This variant is predicted to cause loss of normal protein function either through protein truncation or nonsense-mediated mRNA decay. Pathogenic protein truncating variants downstream of this variant have been reported in the Human Gene Mutation Database in association with 3-M syndrome (Stenson et al., 2014), supporting the pathogenicity of more upstream truncating variants. Additionally, the c.1954delG variant was not observed in approximately 6100 individuals of European and African American ancestry in the NHLBI Exome Sequencing Project, indicating it is not a common benign variant in these populations. We interpret c.1954delG as a pathogenic variant.